The following is an entry in ClinVar:

NM_013266.4(CTNNA3):c.1324A>G (p.Ile442Val)

Gene: CTNNA3 (catenin alpha 3; minus strand). Cytogenetic location: 10q21.3.
Variant type: single nucleotide variant.
Coding change: c.1324A>G on transcript NM_013266.4 (MANE Select); coding-DNA position 1324, A replaced by G.
Protein change: p.Ile442Val; replaces isoleucine 442 with valine.
Molecular consequence: missense variant.
Genome position (GRCh38, 1-based): chr10:66,621,742, T>C on the plus strand (A>G on the coding strand, the complement: CTNNA3 is on the minus strand). VCF-style: chr10-66621742-T-C. GRCh37 (hg19) VCF-style: chr10-68381500-T-C.
Other names: c.1324A>G, p.Ile442Val (NM_001127384.3); c.1324A>G (NM_013266.2); short protein forms I442V.
Identifiers: ClinVar variation 2150248 (VCV002150248.7), dbSNP rs754346518, ClinGen allele CA5519990.
Genomic context (GRCh38, chr10:66,621,742, plus strand): 5'-GTTGTCATACCTGTGGACACAAGGTTTCCAAATGATTGGCTGCAATTTTGACAATTTTAA[T>C]TCCATCTTCATTTGTTGACATGGAACAAGCAAGATTTGCCACCTTAAATACAATCCAAAA-3'
Protein context (NP_037398.2, residues 432-452): ACSMSTNEDG[Ile442Val]KIVKIAANHL

ClinVar aggregate classification (germline): Uncertain significance. Review status: criteria provided, multiple submitters, no conflicts (2 of 4 stars). 2 submissions from 2 submitters: Uncertain significance (2). Last evaluated 2025-04-30.

Conditions:
Arrhythmogenic right ventricular dysplasia 13. Also called: Arrhythmogenic right ventricular dysplasia, familial, 13; ARRHYTHMOGENIC RIGHT VENTRICULAR CARDIOMYOPATHY 13. Identifiers: MedGen C3810138, MONDO:0000908, OMIM 615616.

Allele frequency attached by ClinVar (database versions not stated): gnomAD exomes below 0.00001; ExAC 0.00001; gnomAD 0.00002; TOPMed 0.00003.
gnomAD v4.1: 7 of 1,612,396 alleles (0.00043%); highest among the groups gnomAD compares: African/African-American, 0.008%; no homozygotes.

Submissions (2):

Ambry Genetics
Classification: Uncertain significance. Last evaluated: 2025-04-30. Review status: criteria provided, single submitter. Criteria: Ambry Variant Classification Scheme 2023. Collection method: clinical testing. Allele origin: germline.
Comment: The p.I442V variant (also known as c.1324A>G), located in coding exon 9 of the CTNNA3 gene, results from an A to G substitution at nucleotide position 1324. The isoleucine at codon 442 is replaced by valine, an amino acid with highly similar properties. This amino acid position is conserved. In addition, this alteration is predicted to be tolerated by in silico analysis. Since supporting evidence is limited at this time, the clinical significance of this alteration remains unclear.

Labcorp Genetics (formerly Invitae), Labcorp
Classification: Uncertain significance for Arrhythmogenic right ventricular dysplasia 13. Last evaluated: 2024-04-23. Review status: criteria provided, single submitter. Criteria: Invitae Variant Classification Sherloc (09022015). Collection method: clinical testing. Allele origin: germline.
Comment: This sequence change replaces isoleucine, which is neutral and non-polar, with valine, which is neutral and non-polar, at codon 442 of the CTNNA3 protein (p.Ile442Val). This variant is present in population databases (rs754346518, gnomAD 0.01%). This variant has not been reported in the literature in individuals affected with CTNNA3-related conditions. ClinVar contains an entry for this variant (Variation ID: 2150248). Advanced modeling of protein sequence and biophysical properties (such as structural, functional, and spatial information, amino acid conservation, physicochemical variation, residue mobility, and thermodynamic stability) performed at Invitae indicates that this missense variant is not expected to disrupt CTNNA3 protein function with a negative predictive value of 80%. In summary, the available evidence is currently insufficient to determine the role of this variant in disease. Therefore, it has been classified as a Variant of Uncertain Significance.